The following continues an entry in ClinVar:

NM_001042492.3(NF1):c.528T>A (p.Asp176Glu)

Gene: NF1. ClinVar aggregate classification (germline): Conflicting classifications of pathogenicity. Uncertain significance (1); Benign (17); Likely benign (8).

Submissions 21 to 32 of 32:

Center for Human Genetics, Inc
Classification: Uncertain significance for Neurofibromatosis, type 1. Last evaluated: 2016-11-01. Review status: criteria provided, single submitter. Criteria: ACMG Guidelines, 2015. Collection method: clinical testing. Allele origin: germline. Affected: yes.

Genetic Services Laboratory, University of Chicago
Classification: Benign. Last evaluated: 2016-10-20. Review status: criteria provided, single submitter. Criteria: ACMG Guidelines, 2015. Collection method: clinical testing. Allele origin: germline. Affected: no.

GeneDx
Classification: Benign. Last evaluated: 2016-05-24. Review status: criteria provided, single submitter. Criteria: GeneDx Variant Classification (06012015). Collection method: clinical testing. Allele origin: germline. Affected: yes.
Comment: This variant is considered likely benign or benign based on one or more of the following criteria: it is a conservative change, it occurs at a poorly conserved position in the protein, it is predicted to be benign by multiple in silico algorithms, and/or has population frequency not consistent with disease.

Laboratory for Molecular Medicine, Mass General Brigham Personalized Medicine
Classification: Benign. Last evaluated: 2015-06-22. Review status: criteria provided, single submitter. Criteria: LMM Criteria. Collection method: clinical testing. Allele origin: germline. Observed: 4 variant alleles.
Comment: p.Asp176Glu in exon 5 of NF1: This variant is not expected to have clinical sign ificance because it has been identified in 1% (67/6564) of Finnish chromosomes a nd 0.5% (307/66442) of European chromosomes by the Exome Aggregation Consortium (ExAC; dbSNP rs112306990).

Ambry Genetics
Classification: Benign for Hereditary cancer-predisposing syndrome. Last evaluated: 2014-07-14. Review status: criteria provided, single submitter. Criteria: Ambry Autosomal Dominant and X-Linked criteria (10/2015). Collection method: clinical testing. Allele origin: germline. Observed: 1 variant allele.
Comment: Co-occurence with a mutation in another gene that clearly explains a proband's phenotype;Does not segregate with disease in family study (genes with incomplete penetrance);Other strong data supporting benign classification

PreventionGenetics, part of Exact Sciences
Classification: Benign. Review status: criteria provided, single submitter. Criteria: ACMG Guidelines, 2015. Collection method: clinical testing. Allele origin: germline.

ITMI
No classification provided. Condition: AllHighlyPenetrant. Last evaluated: 2013-09-19. Review status: no classification provided. Collection method: reference population. Allele origin: germline. Not counted in ClinVar's aggregate classification.
Comment: Please see associated publication for description of ethnicities

Biesecker Lab/Clinical Genomics Section, National Institutes of Health
Classification: Benign. Last evaluated: 2012-07-13. Review status: no assertion criteria provided. Collection method: research. Allele origin: germline. Affected: no. Observed: 6 variant alleles. Study: ClinSeq. Not counted in ClinVar's aggregate classification.
ClinVar note: Converted during submission from no known pathogenicity to Benign.

Clinical Genetics DNA and cytogenetics Diagnostics Lab, Erasmus MC, Erasmus Medical Center
Classification: Benign. Review status: no assertion criteria provided. Collection method: clinical testing. Allele origin: germline. Affected: yes. Study: VKGL Data-share Consensus. Not counted in ClinVar's aggregate classification.

Diagnostic Laboratory, Department of Genetics, University Medical Center Groningen
Classification: Benign. Review status: no assertion criteria provided. Collection method: clinical testing. Allele origin: germline. Affected: yes. Study: VKGL Data-share Consensus. Not counted in ClinVar's aggregate classification.

Genome Diagnostics Laboratory, Amsterdam University Medical Center
Classification: Benign. Review status: no assertion criteria provided. Collection method: clinical testing. Allele origin: germline. Affected: yes. Study: VKGL Data-share Consensus. Not counted in ClinVar's aggregate classification.

Laboratory of Diagnostic Genome Analysis, Leiden University Medical Center (LUMC)
Classification: Likely benign. Review status: no assertion criteria provided. Collection method: clinical testing. Allele origin: germline. Affected: yes. Study: VKGL Data-share Consensus. Not counted in ClinVar's aggregate classification.

Literature cited by the submitters: PubMed 10726756 (cited by 4 submitters); PubMed 15146469 (cited by 3 submitters); PubMed 26861459 (cited by Department of Pathology and Laboratory Medicine, Sinai Health System); PubMed 12807981 (cited by 3 submitters); PubMed 29559732 (cited by Department of Pathology and Laboratory Medicine, Sinai Health System); PubMed 22155606 (cited by Department of Pathology and Laboratory Medicine, Sinai Health System and Illumina Laboratory Services, Illumina); PubMed 15060124 (cited by 3 submitters); PubMed 24406863 (cited by Department of Pathology and Laboratory Medicine, Sinai Health System); PubMed 30308447 (cited by Department of Pathology and Laboratory Medicine, Sinai Health System and Athena Diagnostics); PubMed 23758643 (cited by 4 submitters); PubMed 17726231 (cited by 4 submitters); PubMed 22108604 (cited by Department of Pathology and Laboratory Medicine, Sinai Health System and Athena Diagnostics); PubMed 9654211 (cited by Department of Pathology and Laboratory Medicine, Sinai Health System and Illumina Laboratory Services, Illumina); PubMed 12522551 (cited by 3 submitters); PubMed 28825729 (cited by Department of Pathology and Laboratory Medicine, Sinai Health System and Athena Diagnostics); PubMed 24728327 (cited by 4 submitters); PubMed 10712197 (cited by 4 submitters); PubMed 15863657 (cited by Athena Diagnostics); PubMed 18800150 (cited by Athena Diagnostics); PubMed 16528606 (cited by Athena Diagnostics); PubMed 29908077 (cited by Athena Diagnostics).